The following is an entry in ClinVar:

NM_000059.4(BRCA2):c.5846A>C (p.Asp1949Ala)

Gene: BRCA2 (BRCA2 DNA repair associated; plus strand). Cytogenetic location: 13q13.1.
Variant type: single nucleotide variant.
Coding change: c.5846A>C on transcript NM_000059.4 (MANE Select); coding-DNA position 5846, A replaced by C.
Protein change: p.Asp1949Ala; replaces aspartic acid 1949 with alanine.
Molecular consequence: missense variant.
Genome position (GRCh38, 1-based): chr13:32,340,201, A>C. VCF-style: chr13-32340201-A-C. GRCh37 (hg19) VCF-style: chr13-32914338-A-C.
Other names: c.5846A>C, p.Asp1949Ala (NM_001406719.1, NM_001406720.1); short protein forms D1949A.
Identifiers: ClinVar variation 2120023 (VCV002120023.6), dbSNP rs431825336, ClinGen allele CA387787376.
Genomic context (GRCh38, chr13:32,340,201, plus strand): 5'-TTTTACAACATAACCAAAATATGTCTGGATTGGAGAAAGTTTCTAAAATATCACCTTGTG[A>C]TGTTAGTTTGGAAACTTCAGATATATGTAAATGTAGTATAGGGAAGCTTCATAAGTCAGT-3'
Protein context (NP_000050.3, residues 1939-1959): LEKVSKISPC[Asp1949Ala]VSLETSDICK

ClinVar aggregate classification (germline): Conflicting classifications of pathogenicity. Review status: criteria provided, conflicting classifications (1 of 4 stars). 2 submissions from 2 submitters: Uncertain significance (1); Likely benign (1). Last evaluated 2023-03-23.

Conditions:
Hereditary cancer-predisposing syndrome. Also called: Hereditary Cancer Syndrome; Tumor predisposition; Neoplastic Syndromes, Hereditary; Hereditary neoplastic syndrome. Identifiers: Orphanet 140162, MedGen C0027672, MeSH D009386, MONDO:0015356.
Hereditary breast ovarian cancer syndrome. Also called: Hereditary breast and ovarian cancer syndrome (HBOC); Hereditary breast and/or ovarian cancer syndrome; Hereditary breast and ovarian cancer; BRCA1- and BRCA2-Associated Hereditary Breast and Ovarian Cancer; Breast and ovarian cancer; Hereditary breast and ovarian cancer syndrome. Identifiers: Orphanet 145, MedGen C0677776, MeSH D061325, MONDO:0003582. Disease mechanism: loss of function.

Submissions (2):

University of Washington Department of Laboratory Medicine, University of Washington
Classification: Likely benign for Hereditary cancer-predisposing syndrome. Last evaluated: 2023-03-23. Review status: criteria provided, single submitter. Criteria: Dines et al. (Genet Med. 2020). Collection method: curation. Allele origin: germline.
Comment: Missense variant in a coldspot region where missense variants are very unlikely to be pathogenic (PMID:31911673).

BRCA2 exon 11 coldspot. Reclassification based on statistical prior probability.

Labcorp Genetics (formerly Invitae), Labcorp
Classification: Uncertain significance for Hereditary breast ovarian cancer syndrome. Last evaluated: 2022-03-31. Review status: criteria provided, single submitter. Criteria: Invitae Variant Classification Sherloc (09022015). Collection method: clinical testing. Allele origin: germline.
Comment: This variant has not been reported in the literature in individuals affected with BRCA2-related conditions. In summary, the available evidence is currently insufficient to determine the role of this variant in disease. Therefore, it has been classified as a Variant of Uncertain Significance. Advanced modeling of protein sequence and biophysical properties (such as structural, functional, and spatial information, amino acid conservation, physicochemical variation, residue mobility, and thermodynamic stability) performed at Invitae indicates that this missense variant is not expected to disrupt BRCA2 protein function. This variant is not present in population databases (gnomAD no frequency). This sequence change replaces aspartic acid, which is acidic and polar, with alanine, which is neutral and non-polar, at codon 1949 of the BRCA2 protein (p.Asp1949Ala).